The following is an entry in ClinVar:

NM_000352.6(ABCC8):c.643del (p.Val215fs)

Gene: ABCC8 (ATP binding cassette subfamily C member 8; minus strand). Cytogenetic location: 11p15.1.
Variant type: Deletion.
Coding change: c.643del on transcript NM_000352.6 (MANE Select); coding-DNA position 643, one base deleted (G; older notation c.643delG).
Protein change: p.Val215fs; shifts the reading frame from valine 215.
Molecular consequence: frameshift variant. On other transcripts: non-coding transcript variant (1).
Genome position (GRCh38, 1-based): chr11:17,461,762, C deleted on the plus strand (G on the coding strand, the reverse complement: ABCC8 is on the minus strand); the first of 5 consecutive C bases (chr11:17,461,762-17,461,766); deleting any one gives the same sequence. VCF-style (leftmost placement, unchanged base first): chr11-17461761-AC-A. GRCh37 (hg19) VCF-style: chr11-17483308-AC-A.
Other names: c.643del, p.Val215fs (NM_001287174.3, NM_001351295.2, NM_001351296.2 and 1 more transcripts); short protein forms V215fs.
Identifiers: ClinVar variation 1377688 (VCV001377688.6), dbSNP rs1957201685, ClinGen allele CA1955154547.

ClinVar aggregate classification (germline): Pathogenic (1 of 4 stars; one submission).

Submission:

Labcorp Genetics (formerly Invitae), Labcorp
Classification: Pathogenic. Last evaluated: 2021-05-18. Review status: criteria provided, single submitter. Criteria: Invitae Variant Classification Sherloc (09022015). Collection method: clinical testing. Allele origin: germline.
Comment: Algorithms developed to predict the effect of sequence changes on RNA splicing suggest that this variant may create or strengthen a splice site, but this prediction has not been confirmed by published transcriptional studies. This sequence change creates a premature translational stop signal (p.Val215Tyrfs*8) in the ABCC8 gene. It is expected to result in an absent or disrupted protein product. Loss-of-function variants in ABCC8 are known to be pathogenic (PMID: 20685672, 23345197). This variant is not present in population databases (ExAC no frequency). This variant has not been reported in the literature in individuals with ABCC8-related conditions. For these reasons, this variant has been classified as Pathogenic.

Literature cited by the submitters: PubMed 20685672; PubMed 23345197.